The following is an entry in ClinVar:

NM_025114.4(CEP290):c.4356A>G (p.Gln1452=)

Gene: CEP290 (centrosomal protein 290; minus strand). Cytogenetic location: 12q21.32.
Variant type: single nucleotide variant.
Coding change: c.4356A>G on transcript NM_025114.4 (MANE Select); coding-DNA position 4356, A replaced by G.
Protein change: p.Gln1452=; no amino-acid change (glutamine 1452 retained).
Molecular consequence: synonymous variant.
Genome position (GRCh38, 1-based): chr12:88,086,120, T>C on the plus strand (A>G on the coding strand, the complement: CEP290 is on the minus strand). VCF-style: chr12-88086120-T-C. GRCh37 (hg19) VCF-style: chr12-88479897-T-C.
Identifiers: ClinVar variation 1905621 (VCV001905621.7), dbSNP rs756607245, ClinGen allele CA6711958.

ClinVar aggregate classification (germline): Conflicting classifications of pathogenicity. Review status: criteria provided, conflicting classifications (1 of 4 stars). 2 submissions from 2 submitters: Uncertain significance (1); Likely benign (1). Last evaluated 2026-04-22.

Conditions:
CEP290-related disorder. Also called: CEP290-related disorders; CEP290-related condition. Identifiers: MedGen CN239314.
Nephronophthisis. Also called: Juvenile Nephronophthisis. Identifiers: Orphanet 655, MedGen C0687120, MONDO:0019005, HP:0000090.
Joubert syndrome. Also called: JOUBERT-BOLTSHAUSER SYNDROME; Familial aplasia of the vermis. Identifiers: Orphanet 475, MedGen C5979921, MONDO:0018772.
Meckel-Gruber syndrome. Also called: DYSENCEPHALIA SPLANCHNOCYSTICA; GRUBER SYNDROME; Dysencephalia splachnocystica. Identifiers: Orphanet 564, MedGen C0265215, MONDO:0018921.

Allele frequency attached by ClinVar (database versions not stated): ExAC 0.00001; gnomAD 0.00003; TOPMed 0.00003; gnomAD exomes 0.00004.

Submissions (2):

PreventionGenetics, part of Exact Sciences
Classification: Uncertain significance for CEP290-related condition. Last evaluated: 2026-04-22. Review status: criteria provided, single submitter. Criteria: ACMG Guidelines, 2015. Collection method: clinical testing. Allele origin: germline.
Comment: The CEP290 c.4356A>G variant is not predicted to result in an amino acid change (p.=). This variant is predicted to impact splicing based on a splicing prediction program (SpliceAI, Jaganathan K, et al. 2019. PubMed ID: 30661751). To our knowledge, this variant has not been reported in the literature. This variant is reported in 0.0016% of alleles in individuals of European (Non-Finnish) descent in gnomAD. At this time, the clinical significance of this variant is uncertain due to the absence of conclusive functional and genetic evidence.

Labcorp Genetics (formerly Invitae), Labcorp
Classification: Likely benign for Joubert syndrome; Meckel-Gruber syndrome; Nephronophthisis. Last evaluated: 2025-05-12. Review status: criteria provided, single submitter. Criteria: Invitae Variant Classification Sherloc (09022015). Collection method: clinical testing. Allele origin: germline.